The following is an entry in ClinVar:

ClinVar aggregate classification (germline): Likely benign. Review status: criteria provided, multiple submitters, no conflicts (2 of 4 stars). 3 submissions from 3 submitters: Likely benign (2). 1 of the submissions does not count toward it. Last evaluated 2023-12-19.

Conditions:
MPI-related disorder. Also called: MPI-related condition.
MPI-congenital disorder of glycosylation. Also called: CONGENITAL DISORDER OF GLYCOSYLATION, TYPE Ib; CDG Ib; PROTEIN-LOSING ENTEROPATHY-HEPATIC FIBROSIS SYNDROME; MPI DEFICIENCY; MANNOSEPHOSPHATE ISOMERASE DEFICIENCY; MPI-CDG. Identifiers: Orphanet 79319, MedGen C1865145, MONDO:0011257, OMIM 602579.

Allele frequency attached by ClinVar (database versions not stated): gnomAD exomes below 0.00001 and 0.00002; ExAC 0.00001; gnomAD 0.00001 and 0.00002; TOPMed 0.00004.
gnomAD v4.1: 11 of 1,614,092 alleles (0.00068%); highest among the groups gnomAD compares: African/African-American, 0.004%; no homozygotes.

Submissions (3):

Labcorp Genetics (formerly Invitae), Labcorp
Classification: Likely benign for MPI-congenital disorder of glycosylation. Last evaluated: 2023-12-19. Review status: criteria provided, single submitter. Criteria: Invitae Variant Classification Sherloc (09022015). Collection method: clinical testing. Allele origin: germline.

GeneDx
Classification: Likely benign. Last evaluated: 2017-10-24. Review status: criteria provided, single submitter. Criteria: GeneDx Variant Classification (06012015). Collection method: clinical testing. Allele origin: germline. Affected: yes.
Comment: This variant is considered likely benign or benign based on one or more of the following criteria: it is a conservative change, it occurs at a poorly conserved position in the protein, it is predicted to be benign by multiple in silico algorithms, and/or has population frequency not consistent with disease.

PreventionGenetics, part of Exact Sciences
Classification: Likely benign for MPI-related condition. Last evaluated: 2019-11-14. Review status: no assertion criteria provided. Collection method: clinical testing. Allele origin: germline. Not counted in ClinVar's aggregate classification.
Comment: This variant is classified as likely benign based on ACMG/AMP sequence variant interpretation guidelines (Richards et al. 2015 PMID: 25741868, with internal and published modifications).

NM_002435.3(MPI):c.639C>T (p.Leu213=)

Gene: MPI (mannose phosphate isomerase; plus strand). Cytogenetic location: 15q24.1.
Variant type: single nucleotide variant.
Coding change: c.639C>T on transcript NM_002435.3 (MANE Select); coding-DNA position 639, C replaced by T.
Protein change: p.Leu213=; no amino-acid change (leucine 213 retained).
Molecular consequence: synonymous variant. On other transcripts: intron variant (1).
Genome position (GRCh38, 1-based): chr15:74,893,289, C>T. VCF-style: chr15-74893289-C-T. GRCh37 (hg19) VCF-style: chr15-75185630-C-T.
Other names: c.639C>T, p.Leu213= (NM_001289155.2); c.489C>T, p.Leu163= (NM_001289156.2); c.579C>T, p.Leu193= (NM_001330372.2); c.487+487C>T (NM_001289157.2).
Identifiers: ClinVar variation 512663 (VCV000512663.11), dbSNP rs763155512, ClinGen allele CA7662480.
Genomic context (GRCh38, chr15:74,893,289, plus strand): 5'-TCTGCAGAGCTGTTTCTCCCACCTGATGAAGAGTGAGAAGAAGGTGGTGGTGGAACAGCT[C>T]AACCTGTTGGTGAAGCGGATCTCCCAGCAAGGTGGACACAGTTATATTCCTGGTTGGGTG-3'
Protein context (NP_002426.1, residues 203-223): KSEKKVVVEQ[Leu213=]NLLVKRISQQ